The following is an entry in ClinVar:

ClinVar aggregate classification (germline): Pathogenic (1 of 4 stars; one submission).

Submission:

Labcorp Genetics (formerly Invitae), Labcorp
Classification: Pathogenic. Last evaluated: 2023-11-07. Review status: criteria provided, single submitter. Criteria: Invitae Variant Classification Sherloc (09022015). Collection method: clinical testing. Allele origin: unknown.
Comment: This variant is a gross deletion of the genomic region encompassing exon(s) 2-3 of the FMO3 gene, which includes the initiator codon. This deletion extends beyond the assayed region for this gene and therefore may encompass additional genes. It is expected to result in an absent or disrupted protein product. Loss-of-function variants in FMO3 are known to be pathogenic (PMID: 20301282). This variant has not been reported in the literature in individuals affected with FMO3-related conditions. For these reasons, this variant has been classified as Pathogenic.

Literature cited by the submitters: PubMed 20301282.

NC_000001.10:g.(?_171061800)_(171073134_?)del

Gene: FMO3 (flavin containing dimethylaniline monoxygenase 3; plus strand). Cytogenetic location: 1q24.3.
Variant type: Deletion.
Identifiers: ClinVar variation 3247978 (VCV003247978.1).